The following is an entry in ClinVar:

ClinVar aggregate classification (germline): Uncertain significance (1 of 4 stars; one submission).

Conditions:
Glucose-6-phosphate transport defect (GSD1B). Also called: Glycogen Storage Disease Type Ib; GSD Ib. Identifiers: Orphanet 364, Orphanet 79259, MedGen C0268146, MONDO:0009288, OMIM 232220.

Submission:

Labcorp Genetics (formerly Invitae), Labcorp
Classification: Uncertain significance for Glucose-6-phosphate transport defect. Last evaluated: 2025-09-13. Review status: criteria provided, single submitter. Criteria: Invitae Variant Classification Sherloc (09022015). Collection method: clinical testing. Allele origin: germline.
Comment: This sequence change replaces glycine, which is neutral and non-polar, with valine, which is neutral and non-polar, at codon 20 of the SLC37A4 protein (p.Gly20Val). This variant is not present in population databases (gnomAD no frequency). This variant has not been reported in the literature in individuals affected with SLC37A4-related conditions. Invitae Evidence Modeling of protein sequence and biophysical properties (such as structural, functional, and spatial information, amino acid conservation, physicochemical variation, residue mobility, and thermodynamic stability) has been performed for this missense variant. However, the output from this modeling did not meet the statistical confidence thresholds required to predict the impact of this variant on SLC37A4 protein function. This variant disrupts the p.Gly20 amino acid residue in SLC37A4. Other variant(s) that disrupt this residue have been determined to be pathogenic (PMID: 9758626, 10518030, 12373566, 12444104; internal data). This suggests that this residue is clinically significant, and that variants that disrupt this residue are likely to be disease-causing. In summary, the available evidence is currently insufficient to determine the role of this variant in disease. Therefore, it has been classified as a Variant of Uncertain Significance.

Literature cited by the submitters: PubMed 9758626; PubMed 10518030; PubMed 12373566; PubMed 12444104.

NM_001164277.2(SLC37A4):c.59G>T (p.Gly20Val)

Gene: SLC37A4 (solute carrier family 37 member 4; minus strand). Cytogenetic location: 11q23.3.
Variant type: single nucleotide variant.
Coding change: c.59G>T on transcript NM_001164277.2 (MANE Select); coding-DNA position 59, G replaced by T.
Protein change: p.Gly20Val; replaces glycine 20 with valine.
Molecular consequence: missense variant. On other transcripts: intron variant (1).
Genome position (GRCh38, 1-based): chr11:119,029,311, C>A on the plus strand (G>T on the coding strand, the complement: SLC37A4 is on the minus strand). VCF-style: chr11-119029311-C-A. GRCh37 (hg19) VCF-style: chr11-118900021-C-A.
Other names: c.59G>T, p.Gly20Val (NM_001467.6, NM_001164278.2, NM_001164280.2); c.-172+81G>T (NM_001164279.2); short protein forms G20V.
Identifiers: ClinVar variation 4736707 (VCV004736707.1).